The following is an entry in ClinVar:

ClinVar aggregate classification (germline): Pathogenic. Review status: criteria provided, multiple submitters, no conflicts (2 of 4 stars). 2 submissions from 2 submitters: Pathogenic (2). Last evaluated 2026-04-06.

Conditions:
Mitochondrial DNA depletion syndrome 6 (hepatocerebral type). Also called: NAVAJO NEUROPATHY; Navajo neurohepatopathy; Mitochondrial DNA depletion syndrome type 6. Identifiers: Orphanet 255229, MedGen C1850406, MONDO:0009747, OMIM 256810.

Submissions (2):

Unidad de Genómica Garrahan, Hospital de Pediatría Garrahan
Classification: Pathogenic for Mitochondrial DNA depletion syndrome 6 (hepatocerebral type). Last evaluated: 2026-04-06. Review status: criteria provided, single submitter. Criteria: ACMG Guidelines, 2015. Collection method: clinical testing. Allele origin: unknown. Inheritance: Autosomal recessive inheritance. Affected: yes. Observed: 1 variant allele, 1 compound heterozygote.
Comment: A heterozygous NM_002437.5:c.22del variant was identified in exon 2 of the MPV17 gene. This deletion causes a frameshift leading to the introduction of a premature stop codon, p.(Gln8Serfs*14), which is predicted to result in nonsense-mediated mRNA decay and absence of functional protein. This variant is present at a very low frequency in population databases and has been reported in ClinVar (VCV002985253.3) as pathogenic. In addition, loss of function is a well-established disease mechanism for the MPV17 gene (PMID: 23714749). This variant was identified in the heterozygous state together with a second pathogenic variant in the MPV17 gene, NM_002437.5:c.293C>T p.(Pro98Leu), which has multiple submissions in ClinVar (VCV000038355.38) as pathogenic and associated with mitochondrial DNA depletion syndrome. However, parental segregation studies were not available to determine the allelic phase of these variants.Criteria:PVS1, PM2mod, PM3supp

Labcorp Genetics (formerly Invitae), Labcorp
Classification: Pathogenic. Last evaluated: 2022-12-31. Review status: criteria provided, single submitter. Criteria: Invitae Variant Classification Sherloc (09022015). Collection method: clinical testing. Allele origin: germline.
Comment: For these reasons, this variant has been classified as Pathogenic. This variant has not been reported in the literature in individuals affected with MPV17-related conditions. This variant is present in population databases (rs780204423, gnomAD 0.003%). This sequence change creates a premature translational stop signal (p.Gln8Serfs*14) in the MPV17 gene. It is expected to result in an absent or disrupted protein product. Loss-of-function variants in MPV17 are known to be pathogenic (PMID: 23714749).

Literature cited by the submitters: PubMed 23714749 (cited by Labcorp Genetics (formerly Invitae), Labcorp).

NM_002437.5(MPV17):c.22del (p.Gln8fs)

Genes: MPV17 (mitochondrial inner membrane protein MPV17; minus strand), LOC129933372 (ATAC-STARR-seq lymphoblastoid active region 15495; plus strand). Cytogenetic location: 2p23.3.
Variant type: Deletion.
Coding change: c.22del on transcript NM_002437.5 (MANE Select); coding-DNA position 22, one base deleted (C; older notation c.22delC).
Protein change: p.Gln8fs; shifts the reading frame from glutamine 8.
Molecular consequence: frameshift variant.
Genome position (GRCh38, 1-based): chr2:27,322,496, G deleted on the plus strand (C on the coding strand, the reverse complement: MPV17 is on the minus strand); the first of 2 consecutive G bases (chr2:27,322,496-27,322,497); deleting either gives the same sequence. VCF-style (leftmost placement, unchanged base first): chr2-27322495-TG-T. GRCh37 (hg19) VCF-style: chr2-27545362-TG-T.
Other names: short protein forms Q8fs.
Identifiers: ClinVar variation 2985253 (VCV002985253.3), dbSNP rs267607266, ClinGen allele CA1575726.